The following is an entry in ClinVar:

NM_020461.4(TUBGCP6):c.4097C>G (p.Ser1366Cys)

Gene: TUBGCP6 (tubulin gamma complex component 6; minus strand). Cytogenetic location: 22q13.33.
Variant type: single nucleotide variant.
Coding change: c.4097C>G on transcript NM_020461.4 (MANE Select); coding-DNA position 4097, C replaced by G.
Protein change: p.Ser1366Cys; replaces serine 1366 with cysteine.
Molecular consequence: missense variant.
Genome position (GRCh38, 1-based): chr22:50,220,262, G>C on the plus strand (C>G on the coding strand, the complement: TUBGCP6 is on the minus strand). VCF-style: chr22-50220262-G-C. GRCh37 (hg19) VCF-style: chr22-50658691-G-C.
Other names: short protein forms S1366C.
Identifiers: ClinVar variation 2085997 (VCV002085997.4), dbSNP rs1193720058, ClinGen allele CA412177147.
Genomic context (GRCh38, chr22:50,220,262, plus strand): 5'-CTGTGCGTCCCACAGTCCCACTCCTGACCACCAGCCACCCTACTCTGACCTAGTTCTTCA[G>C]AGACACTGTCTCCCGGGGTGTTGGGCCACCATGGTTGGGTGGGAGCCACGTCTGACACGT-3'
Protein context (NP_065194.3, residues 1356-1376): WWPNTPGDSV[Ser1366Cys]EELGPGRSGD

ClinVar aggregate classification (germline): Uncertain significance (1 of 4 stars; one submission).

Submission:

Labcorp Genetics (formerly Invitae), Labcorp
Classification: Uncertain significance. Last evaluated: 2022-01-16. Review status: criteria provided, single submitter. Criteria: Invitae Variant Classification Sherloc (09022015). Collection method: clinical testing. Allele origin: germline.
Comment: In summary, the available evidence is currently insufficient to determine the role of this variant in disease. Therefore, it has been classified as a Variant of Uncertain Significance. Algorithms developed to predict the effect of missense changes on protein structure and function output the following: SIFT: "Tolerated"; PolyPhen-2: "Probably Damaging"; Align-GVGD: "Class C0". The cysteine amino acid residue is found in multiple mammalian species, which suggests that this missense change does not adversely affect protein function. This variant has not been reported in the literature in individuals affected with TUBGCP6-related conditions. This variant is not present in population databases (gnomAD no frequency). This sequence change replaces serine, which is neutral and polar, with cysteine, which is neutral and slightly polar, at codon 1366 of the TUBGCP6 protein (p.Ser1366Cys).